The following is an entry in ClinVar:

ClinVar aggregate classification (germline): Likely benign. Review status: criteria provided, multiple submitters, no conflicts (2 of 4 stars). 4 submissions from 4 submitters: Likely benign (3). 1 of the submissions does not count toward it. Last evaluated 2026-02-01.

Conditions:
OPN1SW-related disorder. Also called: OPN1SW-related condition.

Allele frequency attached by ClinVar (database versions not stated): gnomAD exomes 0.00015 and 0.00018; gnomAD 0.00016 and 0.00017; ExAC 0.00020; ESP Exome Variant Server 0.00023; TOPMed 0.00023; 1000 Genomes Project 0.00040; 1000 Genomes Project 30x 0.00047.
gnomAD v4.1: 266 of 1,614,122 alleles (0.016%); highest among the groups gnomAD compares: Middle Eastern, 0.36%; no homozygotes.

Submissions (4):

Labcorp Genetics (formerly Invitae), Labcorp
Classification: Likely benign. Last evaluated: 2026-02-01. Review status: criteria provided, single submitter. Criteria: Invitae Variant Classification Sherloc (09022015). Collection method: clinical testing. Allele origin: germline.

Blueprint Genetics
Classification: Likely benign. Last evaluated: 2024-11-27. Review status: criteria provided, single submitter. Criteria: ACMG Guidelines, 2015. Collection method: clinical testing. Allele origin: germline.

Breakthrough Genomics
Classification: Likely benign. Review status: criteria provided, single submitter. Criteria: ACMG Guidelines, 2015. Collection method: not provided. Allele origin: germline. Inheritance: Autosomal dominant inheritance. Affected: yes.

PreventionGenetics, part of Exact Sciences
Classification: Likely benign for OPN1SW-related condition. Last evaluated: 2024-05-21. Review status: no assertion criteria provided. Collection method: clinical testing. Allele origin: germline. Not counted in ClinVar's aggregate classification.
Comment: This variant is classified as likely benign based on ACMG/AMP sequence variant interpretation guidelines (Richards et al. 2015 PMID: 25741868, with internal and published modifications).

NM_001385125.1(OPN1SW):c.225C>T (p.Phe75=)

Gene: OPN1SW (opsin 1, short wave sensitive; minus strand). Cytogenetic location: 7q32.1.
Variant type: single nucleotide variant.
Coding change: c.225C>T on transcript NM_001385125.1 (MANE Select); coding-DNA position 225, C replaced by T.
Protein change: p.Phe75=; no amino-acid change (phenylalanine 75 retained).
Molecular consequence: synonymous variant.
Genome position (GRCh38, 1-based): chr7:128,775,557, G>A on the plus strand (C>T on the coding strand, the complement: OPN1SW is on the minus strand). VCF-style: chr7-128775557-G-A. GRCh37 (hg19) VCF-style: chr7-128415611-G-A.
Other names: NM_001708.2:c.234C>T.
Identifiers: ClinVar variation 1156541 (VCV001156541.12), dbSNP rs141770175, ClinGen allele CA4473020.